The following is an entry in ClinVar:

ClinVar aggregate classification (germline): Uncertain significance (1 of 4 stars; one submission).

Submission:

GeneDx
Classification: Uncertain significance. Last evaluated: 2022-03-01. Review status: criteria provided, single submitter. Criteria: GeneDx Variant Classification Process June 2021. Collection method: clinical testing. Allele origin: germline. Affected: yes.
Comment: Not observed at significant frequency in large population cohorts (gnomAD); In silico analysis supports that this missense variant has a deleterious effect on protein structure/function; Has not been previously published as pathogenic or benign to our knowledge

NM_001330288.2(SMARCC2):c.2693C>T (p.Ala898Val)

Gene: SMARCC2 (SWI/SNF related BAF chromatin remodeling complex subunit C2; minus strand). Cytogenetic location: 12q13.2.
Variant type: single nucleotide variant.
Coding change: c.2693C>T on transcript NM_001330288.2 (MANE Select); coding-DNA position 2693, C replaced by T.
Protein change: p.Ala898Val; replaces alanine 898 with valine.
Molecular consequence: missense variant.
Genome position (GRCh38, 1-based): chr12:56,169,551, G>A on the plus strand (C>T on the coding strand, the complement: SMARCC2 is on the minus strand). VCF-style: chr12-56169551-G-A. GRCh37 (hg19) VCF-style: chr12-56563335-G-A.
Other names: c.2693C>T, p.Ala898Val (NM_001130420.3, NM_139067.4); c.2600C>T, p.Ala867Val (NM_003075.5); short protein forms A867V, A898V.
Identifiers: ClinVar variation 1704163 (VCV001704163.2), dbSNP rs2540867520, ClinGen allele CA385341905.